The following is an entry in ClinVar:

NM_006206.6(PDGFRA):c.492T>G (p.Ser164Arg)

Gene: PDGFRA (platelet derived growth factor receptor alpha; plus strand). Cytogenetic location: 4q12.
Variant type: single nucleotide variant.
Coding change: c.492T>G on transcript NM_006206.6 (MANE Select); coding-DNA position 492, T replaced by G.
Protein change: p.Ser164Arg; replaces serine 164 with arginine.
Molecular consequence: missense variant.
Genome position (GRCh38, 1-based): chr4:54,263,791, T>G. VCF-style: chr4-54263791-T-G. GRCh37 (hg19) VCF-style: chr4-55129958-T-G.
Other names: c.492T>G, p.Ser164Arg (NM_001347827.2, NM_001347829.2); c.567T>G, p.Ser189Arg (NM_001347828.2); c.531T>G, p.Ser177Arg (NM_001347830.2); short protein forms S164R, S189R, S177R.
Identifiers: ClinVar variation 528580 (VCV000528580.16), dbSNP rs776491556, ClinGen allele CA356889941.

ClinVar aggregate classification (germline): Uncertain significance. Review status: criteria provided, multiple submitters, no conflicts (2 of 4 stars). 4 submissions from 4 submitters: Uncertain significance (4). Last evaluated 2025-12-03.

Conditions:
Hereditary cancer-predisposing syndrome. Also called: Hereditary neoplastic syndrome; Tumor predisposition; Neoplastic Syndromes, Hereditary; Hereditary Cancer Syndrome. Identifiers: Orphanet 140162, MedGen C0027672, MeSH D009386, MONDO:0015356.
Gastrointestinal stromal tumor. Also called: Gastrointestinal stromal tumor, somatic; Gastrointestinal stroma tumor. Identifiers: Orphanet 44890, MedGen C0238198, MeSH D046152, MONDO:0011719, OMIM 606764, HP:0100723.

Allele frequency attached by ClinVar (database versions not stated): TOPMed 0.00001.
gnomAD v4.1: 3 of 1,614,122 alleles (0.00019%); highest among the groups gnomAD compares: Admixed American, 0.0017%; no homozygotes.

Submissions (4):

Labcorp Genetics (formerly Invitae), Labcorp
Classification: Uncertain significance for Gastrointestinal stromal tumor. Last evaluated: 2025-12-03. Review status: criteria provided, single submitter. Criteria: Invitae Variant Classification Sherloc (09022015). Collection method: clinical testing. Allele origin: germline.
Comment: This sequence change replaces serine, which is neutral and polar, with arginine, which is basic and polar, at codon 164 of the PDGFRA protein (p.Ser164Arg). This variant is not present in population databases (gnomAD no frequency). This variant has not been reported in the literature in individuals affected with PDGFRA-related conditions. ClinVar contains an entry for this variant (Variation ID: 528580). An algorithm developed to predict the effect of missense changes on protein structure and function (PolyPhen-2) suggests that this variant is likely to be tolerated. In summary, the available evidence is currently insufficient to determine the role of this variant in disease. Therefore, it has been classified as a Variant of Uncertain Significance.

Ambry Genetics
Classification: Uncertain significance for Hereditary cancer-predisposing syndrome. Last evaluated: 2024-01-29. Review status: criteria provided, single submitter. Criteria: Ambry Variant Classification Scheme 2023. Collection method: clinical testing. Allele origin: germline.
Comment: The p.S164R variant (also known as c.492T>G), located in coding exon 3 of the PDGFRA gene, results from a T to G substitution at nucleotide position 492. The serine at codon 164 is replaced by arginine, an amino acid with dissimilar properties. This amino acid position is conserved. In addition, this alteration is predicted to be tolerated by in silico analysis. Since supporting evidence is limited at this time, the clinical significance of this alteration remains unclear.

GeneDx
Classification: Uncertain significance. Last evaluated: 2024-01-04. Review status: criteria provided, single submitter. Criteria: GeneDx Variant Classification Process June 2021. Collection method: clinical testing. Allele origin: germline. Affected: yes.
Comment: Not observed at significant frequency in large population cohorts (gnomAD); In silico analysis supports that this missense variant does not alter protein structure/function; Has not been previously published as pathogenic or benign to our knowledge

Blueprint Genetics
Classification: Uncertain significance. Last evaluated: 2022-09-01. Review status: criteria provided, single submitter. Criteria: ACMG Guidelines, 2015. Collection method: clinical testing. Allele origin: germline.